The following is an entry in ClinVar:

NM_173354.5(SIK1):c.2T>C (p.Met1Thr)

Gene: SIK1 (salt inducible kinase 1; minus strand). Cytogenetic location: 21q22.3.
Variant type: single nucleotide variant.
Coding change: c.2T>C on transcript NM_173354.5 (MANE Select); coding-DNA position 2, T replaced by C.
Protein change: p.Met1Thr; changes the start codon (methionine 1).
Molecular consequence: missense variant, initiator codon variant.
Genome position (GRCh38, 1-based): chr21:43,426,177, A>G on the plus strand (T>C on the coding strand, the complement: SIK1 is on the minus strand). VCF-style: chr21-43426177-A-G. GRCh37 (hg19) VCF-style: chr21-44846057-A-G.
Other names: short protein forms M1T.
Identifiers: ClinVar variation 1949345 (VCV001949345.6), dbSNP rs2516969292, ClinGen allele CA410611225.

ClinVar aggregate classification (germline): Uncertain significance (1 of 4 stars; one submission).

Conditions:
Developmental and epileptic encephalopathy, 30 (DEE30). Also called: Epileptic encephalopathy, early infantile, 30. Identifiers: MedGen C4225360, MONDO:0014595, OMIM 616341.

Submission:

Labcorp Genetics (formerly Invitae), Labcorp
Classification: Uncertain significance for Developmental and epileptic encephalopathy, 30. Last evaluated: 2022-06-28. Review status: criteria provided, single submitter. Criteria: Invitae Variant Classification Sherloc (09022015). Collection method: clinical testing. Allele origin: germline.
Comment: This sequence change affects the initiator methionine of the SIK1 mRNA. The next in-frame methionine is located at codon 4. This variant is not present in population databases (gnomAD no frequency). This variant has not been reported in the literature in individuals affected with SIK1-related conditions. Experimental studies and prediction algorithms are not available or were not evaluated, and the functional significance of this variant is currently unknown. In summary, the available evidence is currently insufficient to determine the role of this variant in disease. Therefore, it has been classified as a Variant of Uncertain Significance.